The following is an entry in ClinVar:

ClinVar aggregate classification (germline): Uncertain significance (1 of 4 stars; one submission).

Conditions:
IKZF3-related condition.

gnomAD v4.1: 11 of 1,614,094 alleles (0.00068%); highest among the groups gnomAD compares: African/African-American, 0.013%; no homozygotes.

Submission:

PreventionGenetics, part of Exact Sciences
Classification: Uncertain significance for IKZF3-related condition. Last evaluated: 2025-02-11. Review status: criteria provided, single submitter. Criteria: ACMG Guidelines, 2015. Collection method: clinical testing. Allele origin: germline.
Comment: The IKZF3 c.311A>G variant is predicted to result in the amino acid substitution p.His104Arg. To our knowledge, this variant has not been reported in the literature. This variant is reported in 0.0080% of alleles in individuals of African descent in gnomAD. At this time, the clinical significance of this variant is uncertain due to the absence of conclusive functional and genetic evidence.

NM_012481.5(IKZF3):c.311A>G (p.His104Arg)

Gene: IKZF3 (IKAROS family zinc finger 3; minus strand). Cytogenetic location: 17q12.
Variant type: single nucleotide variant.
Coding change: c.311A>G on transcript NM_012481.5 (MANE Select); coding-DNA position 311, A replaced by G.
Protein change: p.His104Arg; replaces histidine 104 with arginine.
Molecular consequence: missense variant. On other transcripts: 5 prime UTR variant (2), intron variant (4).
Genome position (GRCh38, 1-based): chr17:39,792,786, T>C on the plus strand (A>G on the coding strand, the complement: IKZF3 is on the minus strand). VCF-style: chr17-39792786-T-C. GRCh37 (hg19) VCF-style: chr17-37949039-T-C.
Other names: c.209A>G, p.His70Arg (NM_001257408.2, NM_001257409.2); c.311A>G, p.His104Arg (NM_001257414.2, NM_183228.3, NM_183229.3 and 3 more transcripts); c.-557A>G (NM_001284514.2); c.-389A>G (NM_001284515.2); c.164-26293A>G (NM_001257413.2); c.164-15019A>G (NM_001257412.2); c.164-4412A>G (NM_001257411.2); c.164-1203A>G (NM_001257410.2); short protein forms H70R, H104R.
Identifiers: ClinVar variation 4988726 (VCV004988726.1).